The following is an entry in ClinVar:

NM_199420.4(POLQ):c.6034T>C (p.Phe2012Leu)

Gene: POLQ (DNA polymerase theta; minus strand). Cytogenetic location: 3q13.33.
Variant type: single nucleotide variant.
Coding change: c.6034T>C on transcript NM_199420.4 (MANE Select); coding-DNA position 6034, T replaced by C.
Protein change: p.Phe2012Leu; replaces phenylalanine 2012 with leucine.
Molecular consequence: missense variant.
Genome position (GRCh38, 1-based): chr3:121,481,749, A>G on the plus strand (T>C on the coding strand, the complement: POLQ is on the minus strand). VCF-style: chr3-121481749-A-G. GRCh37 (hg19) VCF-style: chr3-121200596-A-G.
Other names: short protein forms F2012L.
Identifiers: ClinVar variation 1751197 (VCV001751197.2), dbSNP rs2546780466, ClinGen allele CA354088119.
Genomic context (GRCh38, chr3:121,481,749, plus strand): 5'-GGCTTTGAATCCCTTGGCTGGTCTCCATCCCTTCTAGGAGTGGAAGCTCATGAGGAAGAA[A>G]ACTGGTAACTATGCTATGAAGAGTCGGCTCCTGAGAATCTGGATCTAGTAACCAGCATGC-3'
Protein context (NP_955452.3, residues 2002-2022): EPTLHSIVTS[Phe2012Leu]LPHELPLLEG

ClinVar aggregate classification (germline): Uncertain significance (1 of 4 stars; one submission).

Submission:

Ambry Genetics
Classification: Uncertain significance. Last evaluated: 2023-11-16. Review status: criteria provided, single submitter. Criteria: Ambry Variant Classification Scheme 2023. Collection method: clinical testing. Allele origin: germline.
Comment: The p.F2012L variant (also known as c.6034T>C), located in coding exon 19 of the POLQ gene, results from a T to C substitution at nucleotide position 6034. The phenylalanine at codon 2012 is replaced by leucine, an amino acid with highly similar properties. This amino acid position is conserved. In addition, this alteration is predicted to be tolerated by in silico analysis. Since supporting evidence is limited at this time, the clinical significance of this alteration remains unclear.